The following is an entry in ClinVar:

ClinVar aggregate classification (germline): Likely benign. Review status: criteria provided, multiple submitters, no conflicts (2 of 4 stars). 5 submissions from 5 submitters: Likely benign (4). 1 of the submissions does not count toward it. Last evaluated 2026-01-09.

Conditions:
CLRN1-related disorder. Also called: CLRN1-related condition.

Allele frequency attached by ClinVar (database versions not stated): gnomAD exomes 0.00043 and 0.00019; ESP Exome Variant Server 0.00054; TOPMed 0.00054; ExAC 0.00019; gnomAD 0.00029; 1000 Genomes Project 30x 0.00031; 1000 Genomes Project 0.00040.
gnomAD v4.1: 666 of 1,614,226 alleles (0.041%); highest among the groups gnomAD compares: Non-Finnish European, 0.051%; no homozygotes.

Submissions (5):

Labcorp Genetics (formerly Invitae), Labcorp
Classification: Likely benign. Last evaluated: 2026-01-09. Review status: criteria provided, single submitter. Criteria: Invitae Variant Classification Sherloc (09022015). Collection method: clinical testing. Allele origin: germline.

Blueprint Genetics
Classification: Likely benign. Last evaluated: 2024-09-21. Review status: criteria provided, single submitter. Criteria: ACMG Guidelines, 2015. Collection method: clinical testing. Allele origin: germline.

CeGaT Center for Human Genetics Tuebingen
Classification: Likely benign. Last evaluated: 2024-01-01. Review status: criteria provided, single submitter. Criteria: CeGaT Center For Human Genetics Tuebingen Variant Classification Criteria Version 2. Collection method: clinical testing. Allele origin: germline. Affected: yes. Observed: 1 variant allele.
Comment: CLRN1: BP4, BP7

GeneDx
Classification: Likely benign. Last evaluated: 2019-04-08. Review status: criteria provided, single submitter. Criteria: GeneDx Variant Classification Process June 2021. Collection method: clinical testing. Allele origin: germline. Affected: yes.

PreventionGenetics, part of Exact Sciences
Classification: Likely benign for CLRN1-related condition. Last evaluated: 2020-02-17. Review status: no assertion criteria provided. Collection method: clinical testing. Allele origin: germline. Not counted in ClinVar's aggregate classification.
Comment: This variant is classified as likely benign based on ACMG/AMP sequence variant interpretation guidelines (Richards et al. 2015 PMID: 25741868, with internal and published modifications).

NM_174878.3(CLRN1):c.126G>A (p.Thr42=)

Gene: CLRN1 (clarin 1; minus strand). Cytogenetic location: 3q25.1.
Variant type: single nucleotide variant.
Coding change: c.126G>A on transcript NM_174878.3 (MANE Select); coding-DNA position 126, G replaced by A.
Protein change: p.Thr42=; no amino-acid change (threonine 42 retained).
Molecular consequence: synonymous variant. On other transcripts: non-coding transcript variant (1).
Genome position (GRCh38, 1-based): chr3:150,972,583, C>T on the plus strand (G>A on the coding strand, the complement: CLRN1 is on the minus strand). VCF-style: chr3-150972583-C-T. GRCh37 (hg19) VCF-style: chr3-150690370-C-T.
Other names: c.126G>A, p.Thr42= (NM_001195794.1, NM_001256819.2).
Identifiers: ClinVar variation 514696 (VCV000514696.37), dbSNP rs151049166, ClinGen allele CA2666213.